The following is an entry in ClinVar:

NM_000048.4(ASL):c.556C>T (p.Arg186Trp)

Gene: ASL (argininosuccinate lyase; plus strand). Cytogenetic location: 7q11.21.
Variant type: single nucleotide variant.
Coding change: c.556C>T on transcript NM_000048.4 (MANE Select); coding-DNA position 556, C replaced by T.
Protein change: p.Arg186Trp; replaces arginine 186 with tryptophan.
Molecular consequence: missense variant. On other transcripts: intron variant (1).
Genome position (GRCh38, 1-based): chr7:66,086,775, C>T. VCF-style: chr7-66086775-C-T. GRCh37 (hg19) VCF-style: chr7-65551762-C-T.
Other names: c.556C>T, p.Arg186Trp (NM_001024944.2, NM_001024943.2); c.524+113C>T (NM_001024946.2); short protein forms R186W.
Identifiers: ClinVar variation 1050820 (VCV001050820.24), dbSNP rs111407265, ClinGen allele CA4277004.

ClinVar aggregate classification (germline): Pathogenic/Likely pathogenic. Review status: criteria provided, multiple submitters, no conflicts (2 of 4 stars). 9 submissions from 9 submitters: Pathogenic (7); Likely pathogenic (2). Last evaluated 2026-05-01.

Conditions:
Argininosuccinate lyase deficiency. Also called: ARGININOSUCCINIC ACID LYASE DEFICIENCY; ASL DEFICIENCY; Argininosuccinic aciduria. Identifiers: Orphanet 23, MedGen C0268547, MONDO:0008815, OMIM 207900, HP:0025630.

gnomAD v4.1: 17 of 1,599,234 alleles (0.0011%); highest among the groups gnomAD compares: Non-Finnish European, 0.0013%; no homozygotes.

Submissions (9):

CeGaT Center for Human Genetics Tuebingen
Classification: Pathogenic. Last evaluated: 2026-05-01. Review status: criteria provided, single submitter. Criteria: CeGaT Center For Human Genetics Tuebingen Variant Classification Criteria Version 2. Collection method: clinical testing. Allele origin: germline. Affected: yes. Observed: 3 variant alleles.
Comment: ASL: PM3:Strong, PM1, PM2, PM5, PP3

Labcorp Genetics (formerly Invitae), Labcorp
Classification: Pathogenic for Argininosuccinate lyase deficiency. Last evaluated: 2025-07-28. Review status: criteria provided, single submitter. Criteria: Invitae Variant Classification Sherloc (09022015). Collection method: clinical testing. Allele origin: germline.
Comment: This sequence change replaces arginine, which is basic and polar, with tryptophan, which is neutral and slightly polar, at codon 186 of the ASL protein (p.Arg186Trp). The frequency data for this variant in the population databases is considered unreliable, as metrics indicate poor data quality at this position in the gnomAD database. This missense change has been observed in individual(s) with argininosuccinic aciduria (PMID: 20298553, 29326055, 31709144). ClinVar contains an entry for this variant (Variation ID: 1050820). Invitae Evidence Modeling of protein sequence and biophysical properties (such as structural, functional, and spatial information, amino acid conservation, physicochemical variation, residue mobility, and thermodynamic stability) indicates that this missense variant is expected to disrupt ASL protein function with a positive predictive value of 95%. This variant disrupts the p.Arg186 amino acid residue in ASL. Other variant(s) that disrupt this residue have been determined to be pathogenic (internal data). This suggests that this residue is clinically significant, and that variants that disrupt this residue are likely to be disease-causing. For these reasons, this variant has been classified as Pathogenic.

Natera, Inc.
Classification: Pathogenic for Argininosuccinate lyase deficiency. Last evaluated: 2025-01-25. Review status: criteria provided, single submitter. Criteria: Natera Variant Classification Schema (03/2026). Collection method: clinical testing. Allele origin: germline.
Comment: The c.556C>T variant in ASL is a missense variant predicted to cause substitution of arginine to tryptophan at amino acid 186. This variant is rare in the general population with a frequency below the threshold expected for the associated phenotype(s). This variant has been observed in one or more individuals affected with the associated recessive disease, as either homozygous or compound heterozygous with a second variant (PMID: 20298553, 24166829). Given the available evidence, this variant is classified as Pathogenic.

Revvity Omics, Revvity
Classification: Likely pathogenic for Argininosuccinate lyase deficiency. Last evaluated: 2024-10-01. Review status: criteria provided, single submitter. Criteria: ACMG Guidelines, 2015. Collection method: clinical testing. Allele origin: germline.

Genomic Medicine Center of Excellence, King Faisal Specialist Hospital and Research Centre
Classification: Pathogenic for Argininosuccinate lyase deficiency. Last evaluated: 2024-03-17. Review status: criteria provided, single submitter. Criteria: ACMG Guidelines, 2015. Collection method: research. Allele origin: germline.

Baylor Genetics
Classification: Pathogenic for Argininosuccinate lyase deficiency. Last evaluated: 2023-07-31. Review status: criteria provided, single submitter. Criteria: ACMG Guidelines, 2015. Collection method: clinical testing. Allele origin: unknown.

Victorian Clinical Genetics Services, Murdoch Childrens Research Institute
Classification: Pathogenic for Argininosuccinate lyase deficiency. Last evaluated: 2022-02-02. Review status: criteria provided, single submitter. Criteria: ACMG Guidelines, 2015. Collection method: clinical testing. Allele origin: germline. Inheritance: Autosomal recessive inheritance.
Comment: Based on the classification scheme VCGS_Germline_v1.3.4, this variant is classified as Pathogenic. Following criteria are met: 0102 - Loss of function is a known mechanism of disease in this gene and is associated with argininosuccinic aciduria (MIM#207900). (I) 0106 - This gene is associated with autosomal recessive disease. (I) 0200 - Variant is predicted to result in a missense amino acid change from arginine to tryptophan. (I) 0251 - This variant is heterozygous. (I) 0304 - Variant is present in gnomAD <0.01 for a recessive condition (v2: 2 heterozygotes, 0 homozygotes). (SP) 0309 - An alternative amino acid change at the same position has been observed in gnomAD (v2: 4 heterozygotes, 0 homozygotes). (I) 0501 - Missense variant consistently predicted to be damaging by multiple in silico tools or highly conserved with a major amino acid change. (SP) 0600 - Variant is located in the annotated lyase 1 domain (DECIPHER). (I) 0704 - Another missense variant comparable to the one identified in this case has limited previous evidence for pathogenicity. The p.(Arg186Gln) variant has been reported as pathogenic (ClinVar) and fibroblasts of a compound heterozygote patient showed a reduction of less than 2% of activity compared to wild type (PMID: 17326097). (SP) 0801 - This variant has strong previous evidence of pathogenicity in unrelated individuals. It has been reported in multiple homozygous and compound heterozygous individuals with argininosuccinic aciduria (ClinVar, PMIDs: 20298553, 31709144). (SP) 1208 - Inheritance information for this variant is not currently available in this individual. (I) Legend: (SP) - Supporting pathogenic, (I) - Information, (SB) - Supporting benign

Women's Health and Genetics/Laboratory Corporation of America, LabCorp
Classification: Pathogenic for Argininosuccinate lyase deficiency. Last evaluated: 2021-03-19. Review status: criteria provided, single submitter. Criteria: LabCorp Variant Classification Summary - May 2015. Collection method: clinical testing. Allele origin: germline.
Comment: Variant summary: ASL c.556C>T (p.Arg186Trp) results in a non-conservative amino acid change located in the Fumarate lyase, N-terminal domain (IPR022761) of the encoded protein sequence. Five of five in-silico tools predict a damaging effect of the variant on protein function. The variant allele was found at a frequency of 9e-06 in 221462 control chromosomes (gnomAD). c.556C>T has been reported in the literature in multiple individuals (both homozygous and compound heterozygous) affected with Argininosuccinic Aciduria (example: Imtiaz_2010, Balmer_2014). These data indicate that the variant is very likely to be associated with disease. Very low enzymatic activity (% of wild type control) was found in a patient derived sample who was compound heterozygous for the variant of interest and another splice site variant. No clinical diagnostic laboratories have submitted clinical-significance assessments for this variant to ClinVar after 2014. Based on the evidence outlined above, the variant was classified as pathogenic.

Genetic Services Laboratory, University of Chicago
Classification: Likely pathogenic. Last evaluated: 2017-08-18. Review status: criteria provided, single submitter. Criteria: ACMG Guidelines, 2015. Collection method: clinical testing. Allele origin: germline. Affected: yes.

Literature cited by the submitters: PubMed 20298553 (cited by 4 submitters); PubMed 29326055 (cited by Labcorp Genetics (formerly Invitae), Labcorp); PubMed 31709144 (cited by Labcorp Genetics (formerly Invitae), Labcorp and Victorian Clinical Genetics Services, Murdoch Childrens Research Institute); PubMed 24166829 (cited by Natera, Inc. and Women's Health and Genetics/Laboratory Corporation of America, LabCorp); PubMed 17326097 (cited by Victorian Clinical Genetics Services, Murdoch Childrens Research Institute).